The following is an entry in ClinVar:

NM_006270.5(RRAS):c.227C>T (p.Pro76Leu)

Gene: RRAS (RAS related; minus strand). Cytogenetic location: 19q13.33.
Variant type: single nucleotide variant.
Coding change: c.227C>T on transcript NM_006270.5 (MANE Select); coding-DNA position 227, C replaced by T.
Protein change: p.Pro76Leu; replaces proline 76 with leucine.
Molecular consequence: missense variant.
Genome position (GRCh38, 1-based): chr19:49,637,057, G>A on the plus strand (C>T on the coding strand, the complement: RRAS is on the minus strand). VCF-style: chr19-49637057-G-A. GRCh37 (hg19) VCF-style: chr19-50140314-G-A.
Other names: short protein forms P76L.
Identifiers: ClinVar variation 1447579 (VCV001447579.8), dbSNP rs756447228, ClinGen allele CA9579120.

ClinVar aggregate classification (germline): Uncertain significance (1 of 4 stars; one submission).

Conditions:
Noonan syndrome (NS). Also called: Noonan's syndrome. Identifiers: Orphanet 648, MedGen C0028326, MeSH D009634, MONDO:0018997. Disease mechanism: gain of function.

Allele frequency attached by ClinVar (database versions not stated): gnomAD exomes below 0.00001 and 0.00001; ExAC 0.00001.
gnomAD v4.1: 3 of 1,613,696 alleles (0.00019%); highest among the groups gnomAD compares: Non-Finnish European, 0.00025%; no homozygotes.

Submission:

Labcorp Genetics (formerly Invitae), Labcorp
Classification: Uncertain significance for Noonan syndrome. Last evaluated: 2022-03-18. Review status: criteria provided, single submitter. Criteria: Invitae Variant Classification Sherloc (09022015). Collection method: clinical testing. Allele origin: germline.
Comment: This variant has not been reported in the literature in individuals affected with RRAS-related conditions. In summary, the available evidence is currently insufficient to determine the role of this variant in disease. Therefore, it has been classified as a Variant of Uncertain Significance. Algorithms developed to predict the effect of missense changes on protein structure and function are either unavailable or do not agree on the potential impact of this missense change (SIFT: "Tolerated"; PolyPhen-2: "Possibly Damaging"; Align-GVGD: "Class C0"). This variant is present in population databases (rs756447228, gnomAD 0.0009%). This sequence change replaces proline, which is neutral and non-polar, with leucine, which is neutral and non-polar, at codon 76 of the RRAS protein (p.Pro76Leu).